The following is an entry in ClinVar:

NM_000722.4(CACNA2D1):c.1796+3A>G

Gene: CACNA2D1 (calcium voltage-gated channel auxiliary subunit alpha2delta 1; minus strand). Cytogenetic location: 7q21.11.
Variant type: single nucleotide variant.
Coding change: c.1796+3A>G on transcript NM_000722.4 (MANE Select); 3 bases into the intron after coding-DNA position 1796, A replaced by G.
Molecular consequence: intron variant.
Genome position (GRCh38, 1-based): chr7:81,991,182, T>C on the plus strand (A>G on the coding strand, the complement: CACNA2D1 is on the minus strand). VCF-style: chr7-81991182-T-C. GRCh37 (hg19) VCF-style: chr7-81620498-T-C.
Other names: c.1853+3A>G (NM_001366867.1).
Identifiers: ClinVar variation 3994514 (VCV003994514.1).
Genomic context (GRCh38, chr7:81,991,182, plus strand): 5'-GAAAATGCAGACTTAATATTAATCCATTGGAATACACAATACACATAAAATACAGTTAAT[T>C]ACCTGTAATCTGTGCCATTGACAGGTGTCCATGTGTATGTCCTGTTTCCTTTGTCAATAT-3'

ClinVar aggregate classification (germline): Uncertain significance (1 of 4 stars; one submission).

Conditions:
Cardiovascular phenotype. Identifiers: MedGen CN230736.

Submission:

Ambry Genetics
Classification: Uncertain significance for Cardiovascular phenotype. Last evaluated: 2025-03-25. Review status: criteria provided, single submitter. Criteria: Ambry Variant Classification Scheme 2023. Collection method: clinical testing. Allele origin: germline.
Comment: The c.1796+3A>G intronic variant results from an A to G substitution 3 nucleotides after coding exon 21 in the CACNA2D1 gene. This nucleotide position is highly conserved in available vertebrate species. In silico splice site analysis predicts that this alteration will not have any significant effect on splicing. The evidence for this gene-disease relationship is limited; therefore, the clinical significance of this alteration is unclear.